The following is an entry in ClinVar:

NM_017849.4(TMEM127):c.187C>A (p.Arg63Ser)

Gene: TMEM127 (transmembrane protein 127; minus strand). Cytogenetic location: 2q11.2.
Variant type: single nucleotide variant.
Coding change: c.187C>A on transcript NM_017849.4 (MANE Select); coding-DNA position 187, C replaced by A.
Protein change: p.Arg63Ser; replaces arginine 63 with serine.
Molecular consequence: missense variant.
Genome position (GRCh38, 1-based): chr2:96,265,195, G>T on the plus strand (C>A on the coding strand, the complement: TMEM127 is on the minus strand). VCF-style: chr2-96265195-G-T. GRCh37 (hg19) VCF-style: chr2-96930933-G-T.
Other names: c.187C>A, p.Arg63Ser (NM_001193304.3); c.187C>A (NM_017849.3); short protein forms R63S.
Identifiers: ClinVar variation 1062990 (VCV001062990.10), dbSNP rs1558756534, ClinGen allele CA347655940.

ClinVar aggregate classification (germline): Uncertain significance. Review status: criteria provided, multiple submitters, no conflicts (2 of 4 stars). 2 submissions from 2 submitters: Uncertain significance (2). Last evaluated 2026-07-07.

Conditions:
Hereditary cancer-predisposing syndrome. Also called: Tumor predisposition; Hereditary Cancer Syndrome; Hereditary neoplastic syndrome; Neoplastic Syndromes, Hereditary. Identifiers: Orphanet 140162, MedGen C0027672, MeSH D009386, MONDO:0015356.
Hereditary pheochromocytoma and paraganglioma. Also called: Hereditary paragangliomas and pheochromocytomas; Hereditary Paraganglioma-Pheochromocytoma Syndromes; Hereditary pheochromocytoma-paraganglioma. Identifiers: Orphanet 29072, MedGen C4274332, MONDO:0017366.

Allele frequency attached by ClinVar (database versions not stated): gnomAD exomes below 0.00001.
gnomAD v4.1: 1 of 1,608,744 alleles (0.000062%); highest among the groups gnomAD compares: African/African-American, 0.0013%; no homozygotes.

Submissions (2):

Ambry Genetics
Classification: Uncertain significance for Hereditary cancer-predisposing syndrome. Last evaluated: 2026-07-07. Review status: criteria provided, single submitter. Criteria: Ambry Variant Classification Scheme 2023. Collection method: clinical testing. Allele origin: germline.
Comment: The p.R63S variant (also known as c.187C>A), located in coding exon 1 of the TMEM127 gene, results from a C to A substitution at nucleotide position 187. The arginine at codon 63 is replaced by serine, an amino acid with dissimilar properties. This amino acid position is conserved. In addition, the in silico prediction for this alteration is inconclusive. Based on the available evidence, the clinical significance of this variant remains unclear.

Labcorp Genetics (formerly Invitae), Labcorp
Classification: Uncertain significance for Hereditary pheochromocytoma and paraganglioma. Last evaluated: 2025-01-27. Review status: criteria provided, single submitter. Criteria: Invitae Variant Classification Sherloc (09022015). Collection method: clinical testing. Allele origin: germline.
Comment: This sequence change replaces arginine, which is basic and polar, with serine, which is neutral and polar, at codon 63 of the TMEM127 protein (p.Arg63Ser). This variant is not present in population databases (gnomAD no frequency). This variant has not been reported in the literature in individuals affected with TMEM127-related conditions. ClinVar contains an entry for this variant (Variation ID: 1062990). An algorithm developed to predict the effect of missense changes on protein structure and function (PolyPhen-2) suggests that this variant is likely to be tolerated. In summary, the available evidence is currently insufficient to determine the role of this variant in disease. Therefore, it has been classified as a Variant of Uncertain Significance.